The following is an entry in ClinVar:

ClinVar aggregate classification (germline): Uncertain significance (1 of 4 stars; one submission).

Conditions:
Prieto syndrome. Also called: MENTAL RETARDATION, X-LINKED, SYNDROMIC 2. Identifiers: Orphanet 2958, MedGen C1839730, MONDO:0010667, OMIM 309610.

Allele frequency attached by ClinVar (database versions not stated): gnomAD exomes below 0.00001.
gnomAD v4.1: 1 of 1,210,742 alleles (0.000083%); highest among the groups gnomAD compares: South Asian, 0.0018%; no homozygotes.

Submission:

Victorian Clinical Genetics Services, Murdoch Childrens Research Institute
Classification: Uncertain significance for Prieto syndrome. Last evaluated: 2024-09-22. Review status: criteria provided, single submitter. Criteria: ACMG Guidelines, 2015. Collection method: clinical testing. Allele origin: germline. Inheritance: X-linked recessive inheritance. Affected: yes.
Comment: Based on the classification scheme VCGS_Germline_v1.3.4, this variant is classified as VUS-3C. Following criteria are met: 0102 - Loss of function is a known mechanism of disease in this gene and is associated with Prieto syndrome (MIM#309610). (I) 0109 - This gene is associated with X-linked recessive disease. (I) 0200 - Variant is predicted to result in a missense amino acid change from glutamic acid to glycine. (I) 0253 - This variant is hemizygous. (I) 0301 - Variant is absent from gnomAD (both v2 and v3). (SP) 0309 - An alternative amino acid change at the same position has been observed in gnomAD (v2) (1 heterozygote, 0 homozygotes, 0 hemizygotes). (I) 0504 - Same amino acid change has been observed in placental mammals. (SB) 0604 - Variant is not located in an established domain, motif, hotspot or informative constraint region. (I) 0705 - No comparable missense variants have previous evidence for pathogenicity. (I) 0807 - This variant has no previous evidence of pathogenicity. (I) 0905 - No published segregation evidence has been identified for this variant. (I) 1007 - No published functional evidence has been identified for this variant. (I) Legend: (SP) - Supporting pathogenic, (I) - Information, (SB) - Supporting benign

NM_020922.5(WNK3):c.122A>G (p.Glu41Gly)

Gene: WNK3 (WNK lysine deficient protein kinase 3; minus strand). Cytogenetic location: Xp11.22.
Variant type: single nucleotide variant.
Coding change: c.122A>G on transcript NM_020922.5 (MANE Select); coding-DNA position 122, A replaced by G.
Protein change: p.Glu41Gly; replaces glutamic acid 41 with glycine.
Molecular consequence: missense variant.
Genome position (GRCh38, 1-based): chrX:54,333,552, T>C on the plus strand (A>G on the coding strand, the complement: WNK3 is on the minus strand). VCF-style: chrX-54333552-T-C. GRCh37 (hg19) VCF-style: chrX-54359985-T-C.
Other names: c.122A>G, p.Glu41Gly (NM_001002838.4, NM_001395166.1); short protein forms E41G.
Identifiers: ClinVar variation 3255092 (VCV003255092.2), dbSNP rs2522299005.